The following is an entry in ClinVar:

ClinVar aggregate classification (germline): Likely benign. Review status: criteria provided, multiple submitters, no conflicts (2 of 4 stars). 3 submissions from 3 submitters: Likely benign (3). Last evaluated 2026-08-01.

Allele frequency attached by ClinVar (database versions not stated): 1000 Genomes Project 0.00020; 1000 Genomes Project 30x 0.00031; ESP Exome Variant Server 0.00038; gnomAD 0.00044 and 0.00046; TOPMed 0.00056.
gnomAD v4.1: 1,054 of 1,607,286 alleles (0.066%); highest among the groups gnomAD compares: Admixed American, 0.1%; 1 homozygote.

Submissions (3):

CeGaT Center for Human Genetics Tuebingen
Classification: Likely benign. Last evaluated: 2026-08-01. Review status: criteria provided, single submitter. Criteria: CeGaT Center For Human Genetics Tuebingen Variant Classification Criteria Version 2. Collection method: clinical testing. Allele origin: germline. Affected: yes. Observed: 10 variant alleles.
Comment: CAD: BP4, BP7

Labcorp Genetics (formerly Invitae), Labcorp
Classification: Likely benign. Last evaluated: 2026-01-28. Review status: criteria provided, single submitter. Criteria: Invitae Variant Classification Sherloc (09022015). Collection method: clinical testing. Allele origin: germline.

Blueprint Genetics
Classification: Likely benign. Last evaluated: 2024-11-20. Review status: criteria provided, single submitter. Criteria: ACMG Guidelines, 2015. Collection method: clinical testing. Allele origin: germline.

NM_004341.5(CAD):c.5232G>A (p.Pro1744=)

Gene: CAD (carbamoyl-phosphate synthetase 2, aspartate transcarbamylase, and dihydroorotase; plus strand). Cytogenetic location: 2p23.3.
Variant type: single nucleotide variant.
Coding change: c.5232G>A on transcript NM_004341.5 (MANE Select); coding-DNA position 5232, G replaced by A.
Protein change: p.Pro1744=; no amino-acid change (proline 1744 retained).
Molecular consequence: synonymous variant.
Genome position (GRCh38, 1-based): chr2:27,239,211, G>A. VCF-style: chr2-27239211-G-A. GRCh37 (hg19) VCF-style: chr2-27462079-G-A.
Other names: c.5043G>A, p.Pro1681= (NM_001306079.2).
Identifiers: ClinVar variation 738133 (VCV000738133.39), dbSNP rs61754190, ClinGen allele CA1573783.